The following is an entry in ClinVar:

NM_001142864.4(PIEZO1):c.539G>A (p.Arg180Gln)

Genes: HSALR1 (HSP90AB1 associated lncRNA 1; plus strand), PIEZO1 (piezo type mechanosensitive ion channel component 1 (Er blood group); minus strand). Cytogenetic location: 16q24.3.
Variant type: single nucleotide variant.
Coding change: c.539G>A on transcript NM_001142864.4 (MANE Select); coding-DNA position 539, G replaced by A.
Protein change: p.Arg180Gln; replaces arginine 180 with glutamine.
Molecular consequence: missense variant. On other transcripts: non-coding transcript variant (1).
Genome position (GRCh38, 1-based): chr16:88,738,663, C>T on the plus strand (G>A on the coding strand, the complement: PIEZO1 is on the minus strand). VCF-style: chr16-88738663-C-T. GRCh37 (hg19) VCF-style: chr16-88805071-C-T.
Other names: c.539G>A (NM_001142864.2); short protein forms R180Q.
Identifiers: ClinVar variation 3058702 (VCV003058702.4), dbSNP rs1353290865, ClinGen allele CA397123580.

ClinVar aggregate classification (germline): Conflicting classifications of pathogenicity. Review status: criteria provided, conflicting classifications (1 of 4 stars). 3 submissions from 3 submitters: Uncertain significance (1); Benign (1). 1 of the submissions does not count toward it. Last evaluated 2025-04-03.

Conditions:
PIEZO1-related disorder. Also called: PIEZO1-related condition; PIEZO1-Related Disorders.
Inborn genetic diseases. Identifiers: MedGen C0950123, MeSH D030342.

Allele frequency attached by ClinVar (database versions not stated): gnomAD exomes 0.00001; TOPMed 0.00001; gnomAD 0.00002.
gnomAD v4.1: 19 of 1,535,500 alleles (0.0012%); highest among the groups gnomAD compares: African/African-American, 0.0027%; no homozygotes.

Submissions (3):

Ambry Genetics
Classification: Uncertain significance for Inborn genetic diseases. Last evaluated: 2025-04-03. Review status: criteria provided, single submitter. Criteria: Ambry Variant Classification Scheme 2023. Collection method: clinical testing. Allele origin: germline.

Labcorp Genetics (formerly Invitae), Labcorp
Classification: Benign. Last evaluated: 2025-03-06. Review status: criteria provided, single submitter. Criteria: Invitae Variant Classification Sherloc (09022015). Collection method: clinical testing. Allele origin: germline.

PreventionGenetics, part of Exact Sciences
Classification: Uncertain significance for PIEZO1-related condition. Last evaluated: 2023-10-19. Review status: no assertion criteria provided. Collection method: clinical testing. Allele origin: germline. Not counted in ClinVar's aggregate classification.
Comment: The PIEZO1 c.539G>A variant is predicted to result in the amino acid substitution p.Arg180Gln. To our knowledge, this variant has not been reported in the literature. This variant is reported in 0.013% of alleles in individuals of African descent in gnomAD. At this time, the clinical significance of this variant is uncertain due to the absence of conclusive functional and genetic evidence.